The following is an entry in ClinVar:

ClinVar aggregate classification (germline): Benign/Likely benign. Review status: criteria provided, multiple submitters, no conflicts (2 of 4 stars). 2 submissions from 2 submitters: Benign (1); Likely benign (1). Last evaluated 2025-04-29.

Conditions:
Parkinsonism-dystonia, infantile. Identifiers: Orphanet 238455, MedGen C2751067, MONDO:0013150.

Submissions (2):

Mayo Clinic Laboratories, Mayo Clinic
Classification: Likely benign. Last evaluated: 2025-04-29. Review status: criteria provided, single submitter. Criteria: ACMG Guidelines, 2015. Collection method: clinical testing. Allele origin: germline. Observed: 1 variant allele.
Comment: BP4, BP7

Labcorp Genetics (formerly Invitae), Labcorp
Classification: Benign for Parkinsonism-dystonia, infantile. Last evaluated: 2025-03-30. Review status: criteria provided, single submitter. Criteria: Invitae Variant Classification Sherloc (09022015). Collection method: clinical testing. Allele origin: germline.

NM_001044.5(SLC6A3):c.1399-11del

Gene: SLC6A3 (solute carrier family 6 member 3). Cytogenetic location: 5p15.33.
Variant type: Deletion.
Coding change: c.1399-11del on transcript NM_001044.5 (MANE Select); 11 bases into the intron before coding-DNA position 1399, one base deleted.
Molecular consequence: intron variant.
Genome position: GRCh38 VCF-style: chr5-1409135-AG-A. GRCh37 (hg19) VCF-style: chr5-1409250-AG-A.
Other names: p.?.
Identifiers: ClinVar variation 1902550 (VCV001902550.6), dbSNP rs774321169, ClinGen allele CA3186043.